The following is an entry in ClinVar:

NM_000751.3(CHRND):c.1223A>G (p.His408Arg)

Gene: CHRND (cholinergic receptor nicotinic delta subunit; plus strand). Cytogenetic location: 2q37.1.
Variant type: single nucleotide variant.
Coding change: c.1223A>G on transcript NM_000751.3 (MANE Select); coding-DNA position 1223, A replaced by G.
Protein change: p.His408Arg; replaces histidine 408 with arginine.
Molecular consequence: missense variant.
Genome position (GRCh38, 1-based): chr2:232,534,106, A>G. VCF-style: chr2-232534106-A-G. GRCh37 (hg19) VCF-style: chr2-233398816-A-G.
Other names: c.920A>G, p.His307Arg (NM_001311196.2); c.1178A>G, p.His393Arg (NM_001256657.2); c.641A>G, p.His214Arg (NM_001311195.2); short protein forms H393R, H307R, H214R, H408R.
Identifiers: ClinVar variation 2808204 (VCV002808204.3), dbSNP rs1297294887, ClinGen allele CA351005289.

ClinVar aggregate classification (germline): Uncertain significance (1 of 4 stars; one submission).

Conditions:
Lethal multiple pterygium syndrome (LMPS). Identifiers: Orphanet 33108, MedGen C1854678, MONDO:0009668, OMIM 253290.

Allele frequency attached by ClinVar (database versions not stated): gnomAD exomes below 0.00001.
gnomAD v4.1: 3 of 1,614,082 alleles (0.00019%); highest among the groups gnomAD compares: Non-Finnish European, 0.00025%; no homozygotes.

Submission:

Labcorp Genetics (formerly Invitae), Labcorp
Classification: Uncertain significance for Lethal multiple pterygium syndrome. Last evaluated: 2023-10-13. Review status: criteria provided, single submitter. Criteria: Invitae Variant Classification Sherloc (09022015). Collection method: clinical testing. Allele origin: germline.
Comment: This sequence change replaces histidine, which is basic and polar, with arginine, which is basic and polar, at codon 408 of the CHRND protein (p.His408Arg). This variant is not present in population databases (gnomAD no frequency). This variant has not been reported in the literature in individuals affected with CHRND-related conditions. Advanced modeling of protein sequence and biophysical properties (such as structural, functional, and spatial information, amino acid conservation, physicochemical variation, residue mobility, and thermodynamic stability) performed at Invitae indicates that this missense variant is not expected to disrupt CHRND protein function. In summary, the available evidence is currently insufficient to determine the role of this variant in disease. Therefore, it has been classified as a Variant of Uncertain Significance.